The following is an entry in ClinVar:

ClinVar aggregate classification (germline): Uncertain significance (1 of 4 stars; one submission).

Submission:

Ambry Genetics
Classification: Uncertain significance. Last evaluated: 2024-02-22. Review status: criteria provided, single submitter. Criteria: Ambry Variant Classification Scheme 2023. Collection method: clinical testing. Allele origin: germline.
Comment: The p.T1489I variant (also known as c.4466C>T), located in coding exon 4 of the ALPK2 gene, results from a C to T substitution at nucleotide position 4466. The threonine at codon 1489 is replaced by isoleucine, an amino acid with similar properties. This amino acid position is conserved. In addition, this alteration is predicted to be tolerated by in silico analysis. Based on the available evidence, the clinical significance of this alteration remains unclear.

NM_052947.4(ALPK2):c.4466C>T (p.Thr1489Ile)

Genes: ALPK2 (alpha kinase 2; minus strand), LOC126862764 (BRD4-independent group 4 enhancer GRCh37_chr18:56202574-56203773; plus strand). Cytogenetic location: 18q21.31.
Variant type: single nucleotide variant.
Coding change: c.4466C>T on transcript NM_052947.4 (MANE Select); coding-DNA position 4466, C replaced by T.
Protein change: p.Thr1489Ile; replaces threonine 1489 with isoleucine.
Molecular consequence: missense variant.
Genome position (GRCh38, 1-based): chr18:58,535,721, G>A on the plus strand (C>T on the coding strand, the complement: ALPK2 is on the minus strand). VCF-style: chr18-58535721-G-A. GRCh37 (hg19) VCF-style: chr18-56202953-G-A.
Other names: short protein forms T1489I.
Identifiers: ClinVar variation 3228744 (VCV003228744.1), dbSNP rs2518874688, ClinGen allele CA402562313.
Genomic context (GRCh38, chr18:58,535,721, plus strand): 5'-CTACATCCACTTGGAATTCTTTCACCGCCTTCGCTGGGTTGCAGGACTTGCCAAATGGCA[G>A]TTTTTGCCTCCTCAGGTTGAATTTGTTCAGCCTCCTGCTTCATACTGCCTTCTTGGCTTC-3'
Protein context (NP_443179.3, residues 1479-1499): AEQIQPEEAK[Thr1489Ile]AIWQVLQPSE